The following is an entry in ClinVar:

NM_020461.4(TUBGCP6):c.1033G>A (p.Val345Met)

Gene: TUBGCP6 (tubulin gamma complex component 6; minus strand). Cytogenetic location: 22q13.33.
Variant type: single nucleotide variant.
Coding change: c.1033G>A on transcript NM_020461.4 (MANE Select); coding-DNA position 1033, G replaced by A.
Protein change: p.Val345Met; replaces valine 345 with methionine.
Molecular consequence: missense variant.
Genome position (GRCh38, 1-based): chr22:50,233,399, C>T on the plus strand (G>A on the coding strand, the complement: TUBGCP6 is on the minus strand). VCF-style: chr22-50233399-C-T. GRCh37 (hg19) VCF-style: chr22-50671828-C-T.
Other names: short protein forms V345M.
Identifiers: ClinVar variation 2054096 (VCV002054096.1), dbSNP rs751022706, ClinGen allele CA10308857.

ClinVar aggregate classification (germline): Uncertain significance (1 of 4 stars; one submission).

Allele frequency attached by ClinVar (database versions not stated): TOPMed 0.00002; gnomAD 0.00003; ExAC 0.00009.
gnomAD v4.1: 55 of 1,613,996 alleles (0.0034%); highest among the groups gnomAD compares: South Asian, 0.016%; no homozygotes.

Submission:

Labcorp Genetics (formerly Invitae), Labcorp
Classification: Uncertain significance. Last evaluated: 2022-09-27. Review status: criteria provided, single submitter. Criteria: Invitae Variant Classification Sherloc (09022015). Collection method: clinical testing. Allele origin: germline.
Comment: This sequence change replaces valine, which is neutral and non-polar, with methionine, which is neutral and non-polar, at codon 345 of the TUBGCP6 protein (p.Val345Met). This variant is present in population databases (rs751022706, gnomAD 0.03%). This variant has not been reported in the literature in individuals affected with TUBGCP6-related conditions. Algorithms developed to predict the effect of missense changes on protein structure and function output the following: SIFT: "Tolerated"; PolyPhen-2: "Possibly Damaging"; Align-GVGD: "Class C0". The methionine amino acid residue is found in multiple mammalian species, which suggests that this missense change does not adversely affect protein function. In summary, the available evidence is currently insufficient to determine the role of this variant in disease. Therefore, it has been classified as a Variant of Uncertain Significance.